The following is an entry in ClinVar:

ClinVar aggregate classification (germline): Uncertain significance (1 of 4 stars; one submission).

Submission:

GeneDx
Classification: Uncertain significance. Last evaluated: 2022-07-11. Review status: criteria provided, single submitter. Criteria: GeneDx Variant Classification Process June 2021. Collection method: clinical testing. Allele origin: germline. Affected: yes.
Comment: Not observed at significant frequency in large population cohorts (gnomAD); In silico analysis supports that this missense variant has a deleterious effect on protein structure/function; Has not been previously published as pathogenic or benign to our knowledge; This variant is associated with the following publications: (PMID: 23962696)

NM_016156.6(MTMR2):c.683C>G (p.Thr228Arg)

Gene: MTMR2 (myotubularin related protein 2; minus strand). Cytogenetic location: 11q21.
Variant type: single nucleotide variant.
Coding change: c.683C>G on transcript NM_016156.6 (MANE Select); coding-DNA position 683, C replaced by G.
Protein change: p.Thr228Arg; replaces threonine 228 with arginine.
Molecular consequence: missense variant.
Genome position (GRCh38, 1-based): chr11:95,850,721, G>C on the plus strand (C>G on the coding strand, the complement: MTMR2 is on the minus strand). VCF-style: chr11-95850721-G-C. GRCh37 (hg19) VCF-style: chr11-95583885-G-C.
Other names: c.467C>G, p.Thr156Arg (NM_001243571.2, NM_201278.3, NM_201281.3); short protein forms T156R, T228R.
Identifiers: ClinVar variation 1878966 (VCV001878966.1), dbSNP rs2496509605, ClinGen allele CA382425931.